The following is an entry in ClinVar:

ClinVar aggregate classification (germline): Uncertain significance. Review status: criteria provided, multiple submitters, no conflicts (2 of 4 stars). 2 submissions from 2 submitters: Uncertain significance (2). Last evaluated 2025-03-26.

Conditions:
Inborn genetic diseases. Identifiers: MedGen C0950123, MeSH D030342.
Proteosome-associated autoinflammatory syndrome. Also called: Proteasome-associated autoinflammatory syndrome. Identifiers: Orphanet 324977, MedGen C1850568, MONDO:0009726.

Allele frequency attached by ClinVar (database versions not stated): gnomAD exomes 0.00001 and 0.00002; gnomAD 0.00004 and 0.00003; TOPMed 0.00005; ExAC 0.00003.
gnomAD v4.1: 25 of 1,612,670 alleles (0.0016%); highest among the groups gnomAD compares: Admixed American, 0.013%; no homozygotes.

Submissions (2):

Ambry Genetics
Classification: Uncertain significance for Inborn genetic diseases. Last evaluated: 2025-03-26. Review status: criteria provided, single submitter. Criteria: Ambry Variant Classification Scheme 2023. Collection method: clinical testing. Allele origin: germline.

Labcorp Genetics (formerly Invitae), Labcorp
Classification: Uncertain significance for Proteosome-associated autoinflammatory syndrome. Last evaluated: 2023-12-07. Review status: criteria provided, single submitter. Criteria: Invitae Variant Classification Sherloc (09022015). Collection method: clinical testing. Allele origin: germline.
Comment: This sequence change replaces arginine, which is basic and polar, with tryptophan, which is neutral and slightly polar, at codon 192 of the PSMB8 protein (p.Arg192Trp). This variant is present in population databases (rs752232985, gnomAD 0.01%). This variant has not been reported in the literature in individuals affected with PSMB8-related conditions. ClinVar contains an entry for this variant (Variation ID: 856695). Advanced modeling of protein sequence and biophysical properties (such as structural, functional, and spatial information, amino acid conservation, physicochemical variation, residue mobility, and thermodynamic stability) performed at Invitae indicates that this missense variant is expected to disrupt PSMB8 protein function with a positive predictive value of 80%. In summary, the available evidence is currently insufficient to determine the role of this variant in disease. Therefore, it has been classified as a Variant of Uncertain Significance.

NM_148919.4(PSMB8):c.574C>T (p.Arg192Trp)

Gene: PSMB8 (proteasome 20S subunit beta 8; minus strand). Cytogenetic location: 6p21.32.
Variant type: single nucleotide variant.
Coding change: c.574C>T on transcript NM_148919.4 (MANE Select); coding-DNA position 574, C replaced by T.
Protein change: p.Arg192Trp; replaces arginine 192 with tryptophan.
Molecular consequence: missense variant.
Genome position (GRCh38, 1-based): chr6:32,841,699, G>A on the plus strand (C>T on the coding strand, the complement: PSMB8 is on the minus strand). VCF-style: chr6-32841699-G-A. GRCh37 (hg19) VCF-style: chr6-32809476-G-A.
Other names: c.562C>T, p.Arg188Trp (NM_004159.5); short protein forms R188W, R192W.
Identifiers: ClinVar variation 856695 (VCV000856695.8), dbSNP rs752232985, ClinGen allele CA3746337.